The following is an entry in ClinVar:

NM_001018055.3(BRCC3):c.18GCAGGCGGT[1] (p.7QAV[1])

Gene: BRCC3 (BRCA1/BRCA2-containing complex subunit 3; plus strand). Cytogenetic location: Xq28.
Variant type: Microsatellite.
Coding change: c.18GCAGGCGGT[1] on transcript NM_001018055.3 (MANE Select); one copy of the 9-base unit GCAGGCGGT starting at c.18; the reference has two copies in a row; one copy, 9 bases deleted.
Protein change: p.7QAV[1].
Molecular consequence: inframe deletion.
Genome position (GRCh38, 1-based): chrX:155,071,554-155,071,562, GCAGGCGGT deleted; deleting any 9 consecutive bases within chrX:155,071,542-155,071,562 gives the same sequence; the position shown is the placement nearest the transcript's 3' end. VCF-style (leftmost placement, unchanged base first): chrX-155071541-TGGTGCAGGC-T. GRCh37 (hg19) VCF-style: chrX-154299816-TGGTGCAGGC-T.
Other names: c.18GCAGGCGGT[1], p.7QAV[1] (NM_001242640.2, NM_024332.4).
Identifiers: ClinVar variation 2661872 (VCV002661872.24), dbSNP rs782702164, ClinGen allele CA10568899.
Genomic context (GRCh38, chrX:155,071,541, plus strand): 5'-TCAGGACCAAGTGGGCCCGAGGCGGACGTGAGAAGGGTCGGGCCAAGATGGCGGTGCAGG[TGGTGCAGGC>T]GGTGCAGGCGGTTCATCTCGAGTCTGACGCTTTCCTCGTTTGTCTCAACCACGCTCTGAG-3'

ClinVar aggregate classification (germline): Likely benign (1 of 4 stars; one submission).

Submission:

CeGaT Center for Human Genetics Tuebingen
Classification: Likely benign. Last evaluated: 2023-01-01. Review status: criteria provided, single submitter. Criteria: CeGaT Center For Human Genetics Tuebingen Variant Classification Criteria Version 2. Collection method: clinical testing. Allele origin: germline. Affected: yes. Observed: 1 variant allele.
Comment: BRCC3: BS2